The following is an entry in ClinVar:

ClinVar aggregate classification (germline): Benign/Likely benign. Review status: criteria provided, multiple submitters, no conflicts (2 of 4 stars). 5 submissions from 5 submitters: Benign (3); Likely benign (2). Last evaluated 2026-02-01.

Allele frequency attached by ClinVar (database versions not stated): gnomAD exomes 0.00040 and 0.00089; ExAC 0.00107; ESP Exome Variant Server 0.00355; 1000 Genomes Project 0.00379; gnomAD 0.00379; 1000 Genomes Project 30x 0.00390; TOPMed 0.00459.
gnomAD v4.1: 1,226 of 1,613,810 alleles (0.076%); highest among the groups gnomAD compares: African/African-American, 1.4%; 7 homozygotes.

Submissions (5):

Labcorp Genetics (formerly Invitae), Labcorp
Classification: Benign. Last evaluated: 2026-02-01. Review status: criteria provided, single submitter. Criteria: Invitae Variant Classification Sherloc (09022015). Collection method: clinical testing. Allele origin: germline.

Mayo Clinic Laboratories, Mayo Clinic
Classification: Likely benign. Last evaluated: 2025-02-20. Review status: criteria provided, single submitter. Criteria: ACMG Guidelines, 2015. Collection method: clinical testing. Allele origin: germline. Observed: 1 variant allele.
Comment: BS1, BP4, BP7

Blueprint Genetics
Classification: Likely benign. Last evaluated: 2024-11-13. Review status: criteria provided, single submitter. Criteria: ACMG Guidelines, 2015. Collection method: clinical testing. Allele origin: germline.

Genetic Services Laboratory, University of Chicago
Classification: Benign. Last evaluated: 2018-08-24. Review status: criteria provided, single submitter. Criteria: ACMG Guidelines, 2015. Collection method: clinical testing. Allele origin: germline. Affected: no.

Breakthrough Genomics
Classification: Benign. Review status: criteria provided, single submitter. Criteria: ACMG Guidelines, 2015. Collection method: not provided. Allele origin: germline. Inheritance: Autosomal recessive inheritance. Affected: yes.

NM_025074.7(FRAS1):c.10149C>T (p.Thr3383=)

Gene: FRAS1 (Fraser extracellular matrix complex subunit 1; plus strand). Cytogenetic location: 4q21.21.
Variant type: single nucleotide variant.
Coding change: c.10149C>T on transcript NM_025074.7 (MANE Select); coding-DNA position 10149, C replaced by T.
Protein change: p.Thr3383=; no amino-acid change (threonine 3383 retained).
Molecular consequence: synonymous variant.
Genome position (GRCh38, 1-based): chr4:78,513,527, C>T. VCF-style: chr4-78513527-C-T. GRCh37 (hg19) VCF-style: chr4-79434681-C-T.
Other names: p.Thr3383=.
Identifiers: ClinVar variation 702044 (VCV000702044.16), dbSNP rs35321934, ClinGen allele CA2978869.